The following is an entry in ClinVar:

ClinVar aggregate classification (germline): Uncertain significance (1 of 4 stars; one submission).

Submission:

Labcorp Genetics (formerly Invitae), Labcorp
Classification: Uncertain significance. Last evaluated: 2021-12-28. Review status: criteria provided, single submitter. Criteria: Invitae Variant Classification Sherloc (09022015). Collection method: clinical testing. Allele origin: germline.
Comment: This variant is not present in population databases (gnomAD no frequency). In summary, the available evidence is currently insufficient to determine the role of this variant in disease. Therefore, it has been classified as a Variant of Uncertain Significance. Algorithms developed to predict the effect of sequence changes on RNA splicing suggest that this variant may disrupt the consensus splice site. This variant has not been reported in the literature in individuals affected with PLOD3-related conditions. This sequence change falls in intron 5 of the PLOD3 gene. It does not directly change the encoded amino acid sequence of the PLOD3 protein.

NM_001084.5(PLOD3):c.616-9T>G

Gene: PLOD3 (procollagen-lysine,2-oxoglutarate 5-dioxygenase 3; minus strand). Cytogenetic location: 7q22.1.
Variant type: single nucleotide variant.
Coding change: c.616-9T>G on transcript NM_001084.5 (MANE Select); 9 bases into the intron before coding-DNA position 616, T replaced by G.
Molecular consequence: intron variant.
Genome position (GRCh38, 1-based): chr7:101,215,161, A>C on the plus strand (T>G on the coding strand, the complement: PLOD3 is on the minus strand). VCF-style: chr7-101215161-A-C. GRCh37 (hg19) VCF-style: chr7-100858442-A-C.
Identifiers: ClinVar variation 2038871 (VCV002038871.4), dbSNP rs2535175880, ClinGen allele CA2580076018.